The following is an entry in ClinVar:

ClinVar aggregate classification (germline): Uncertain significance (1 of 4 stars; one submission).

Submission:

Ambry Genetics
Classification: Uncertain significance. Last evaluated: 2024-06-03. Review status: criteria provided, single submitter. Criteria: Ambry Variant Classification Scheme 2023. Collection method: clinical testing. Allele origin: germline.
Comment: The p.R1306G variant (also known as c.3916A>G), located in coding exon 35 of the KIF1B gene, results from an A to G substitution at nucleotide position 3916. The arginine at codon 1306 is replaced by glycine, an amino acid with dissimilar properties. This amino acid position is highly conserved in available vertebrate species. In addition, this alteration is predicted to be deleterious by in silico analysis. The evidence for this gene-disease relationship is limited; therefore, the clinical significance of this alteration is unclear.

NM_001365951.3(KIF1B):c.4054A>G (p.Arg1352Gly)

Gene: KIF1B (kinesin family member 1B; plus strand). Cytogenetic location: 1p36.22.
Variant type: single nucleotide variant.
Coding change: c.4054A>G on transcript NM_001365951.3 (MANE Select); coding-DNA position 4054, A replaced by G.
Protein change: p.Arg1352Gly; replaces arginine 1352 with glycine.
Molecular consequence: missense variant.
Genome position (GRCh38, 1-based): chr1:10,352,735, A>G. VCF-style: chr1-10352735-A-G. GRCh37 (hg19) VCF-style: chr1-10412793-A-G.
Other names: c.4054A>G, p.Arg1352Gly (NM_001365952.1); c.3916A>G, p.Arg1306Gly (NM_015074.3); short protein forms R1352G, R1306G.
Identifiers: ClinVar variation 3288458 (VCV003288458.1).
Genomic context (GRCh38, chr1:10,352,735, plus strand): 5'-GCCATCCTCTCCCTAAATATTATTTCTGCCAAGTACCTGAAGTCTTCCCACAACTCTAGC[A>G]GGTGGGACACCCAGAGCAGTGTGAAGAAGTCCACACTTGCAGGCGTTAATTGGTACACCG-3'
Protein context (NP_001352880.1, residues 1342-1362): KYLKSSHNSS[Arg1352Gly]TFYRFEAVWD